The following is an entry in ClinVar:

NM_152743.4(BRAT1):c.1087G>A (p.Gly363Ser)

Gene: BRAT1 (BRCA1 associated ATM activator 1; minus strand). Cytogenetic location: 7p22.3.
Variant type: single nucleotide variant.
Coding change: c.1087G>A on transcript NM_152743.4 (MANE Select); coding-DNA position 1087, G replaced by A.
Protein change: p.Gly363Ser; replaces glycine 363 with serine.
Molecular consequence: missense variant. On other transcripts: non-coding transcript variant (1).
Genome position (GRCh38, 1-based): chr7:2,541,765, C>T on the plus strand (G>A on the coding strand, the complement: BRAT1 is on the minus strand). VCF-style: chr7-2541765-C-T. GRCh37 (hg19) VCF-style: chr7-2581399-C-T.
Other names: c.1087G>A, p.Gly363Ser (NM_001350626.2); c.562G>A, p.Gly188Ser (NM_001350627.2); short protein forms G363S, G188S.
Identifiers: ClinVar variation 577883 (VCV000577883.10), dbSNP rs967919052, ClinGen allele CA152667651.

ClinVar aggregate classification (germline): Uncertain significance. Review status: criteria provided, multiple submitters, no conflicts (2 of 4 stars). 4 submissions from 4 submitters: Uncertain significance (4). Last evaluated 2026-09-16.

Conditions:
Neonatal-onset encephalopathy with rigidity and seizures. Also called: Lethal neonatal spasticity-epileptic encephalopathy syndrome. Identifiers: Orphanet 435845, MedGen C3281029, MONDO:0013784, OMIM 614498.
Inborn genetic diseases. Identifiers: MedGen C0950123, MeSH D030342.

Allele frequency attached by ClinVar (database versions not stated): gnomAD exomes 0.00002 and 0.00005; gnomAD 0.00015 and 0.00016; TOPMed 0.00027.
gnomAD v4.1: 93 of 1,611,952 alleles (0.0058%); highest among the groups gnomAD compares: Admixed American, 0.032%; no homozygotes.

Submissions (4):

GeneDx
Classification: Uncertain significance. Last evaluated: 2026-09-16. Review status: criteria provided, single submitter. Criteria: GeneDx Variant Classification Process June 2021. Collection method: clinical testing. Allele origin: germline.
Comment: Not observed at significant frequency in large population cohorts (gnomAD); In silico analysis suggests that this missense variant does not alter protein structure/function; Has not been previously published as pathogenic or benign to our knowledge

Ambry Genetics
Classification: Uncertain significance for Inborn genetic diseases. Last evaluated: 2025-02-06. Review status: criteria provided, single submitter. Criteria: Ambry Variant Classification Scheme 2023. Collection method: clinical testing. Allele origin: germline.

Labcorp Genetics (formerly Invitae), Labcorp
Classification: Uncertain significance for Neonatal-onset encephalopathy with rigidity and seizures. Last evaluated: 2022-10-25. Review status: criteria provided, single submitter. Criteria: Invitae Variant Classification Sherloc (09022015). Collection method: clinical testing. Allele origin: germline.
Comment: This sequence change replaces glycine, which is neutral and non-polar, with serine, which is neutral and polar, at codon 363 of the BRAT1 protein (p.Gly363Ser). This variant is present in population databases (no rsID available, gnomAD 0.003%). This missense change has been observed in individual(s) with clinical features of BRAT1-related conditions (Invitae). ClinVar contains an entry for this variant (Variation ID: 577883). Advanced modeling of protein sequence and biophysical properties (such as structural, functional, and spatial information, amino acid conservation, physicochemical variation, residue mobility, and thermodynamic stability) performed at Invitae indicates that this missense variant is not expected to disrupt BRAT1 protein function. In summary, the available evidence is currently insufficient to determine the role of this variant in disease. Therefore, it has been classified as a Variant of Uncertain Significance.

Athena Diagnostics
Classification: Uncertain significance. Last evaluated: 2018-12-04. Review status: criteria provided, single submitter. Criteria: Athena Diagnostics Criteria. Collection method: clinical testing. Allele origin: germline.